The following is an entry in ClinVar:

NM_001136191.3(KANK2):c.2412C>T (p.Arg804=)

Gene: KANK2 (KN motif and ankyrin repeat domains 2; minus strand). Cytogenetic location: 19p13.2.
Variant type: single nucleotide variant.
Coding change: c.2412C>T on transcript NM_001136191.3 (MANE Select); coding-DNA position 2412, C replaced by T.
Protein change: p.Arg804=; no amino-acid change (arginine 804 retained).
Molecular consequence: synonymous variant.
Genome position (GRCh38, 1-based): chr19:11,170,048, G>A on the plus strand (C>T on the coding strand, the complement: KANK2 is on the minus strand). VCF-style: chr19-11170048-G-A. GRCh37 (hg19) VCF-style: chr19-11280724-G-A.
Other names: c.2412C>T, p.Arg804= (NM_001329451.2, NM_001379555.1, NM_001379556.1 and 7 more transcripts); c.2436C>T, p.Arg812= (NM_001379548.1, NM_001379549.1, NM_001379550.1 and 5 more transcripts).
Identifiers: ClinVar variation 2707208 (VCV002707208.3), dbSNP rs374352032, ClinGen allele CA9205282.

ClinVar aggregate classification (germline): Uncertain significance (1 of 4 stars; one submission).

Allele frequency attached by ClinVar (database versions not stated): ExAC 0.00005; TOPMed 0.00013; gnomAD exomes 0.00001; gnomAD 0.00007; ESP Exome Variant Server 0.00008.
gnomAD v4.1: 34 of 1,613,008 alleles (0.0021%); highest among the groups gnomAD compares: African/African-American, 0.023%; no homozygotes.

Submission:

Labcorp Genetics (formerly Invitae), Labcorp
Classification: Uncertain significance. Last evaluated: 2025-10-27. Review status: criteria provided, single submitter. Criteria: Invitae Variant Classification Sherloc (09022015). Collection method: clinical testing. Allele origin: germline.
Comment: This sequence change affects codon 804 of the KANK2 mRNA. It is a 'silent' change, meaning that it does not change the encoded amino acid sequence of the KANK2 protein. It affects a nucleotide within the consensus splice site. This variant is present in population databases (rs374352032, gnomAD 0.03%). This variant has not been reported in the literature in individuals affected with KANK2-related conditions. ClinVar contains an entry for this variant (Variation ID: 2707208). Algorithms developed to predict the effect of sequence changes on RNA splicing suggest that this variant is not likely to affect RNA splicing. In summary, the available evidence is currently insufficient to determine the role of this variant in disease. Therefore, it has been classified as a Variant of Uncertain Significance.